The following is an entry in ClinVar:

ClinVar aggregate classification (germline): Pathogenic (1 of 4 stars; one submission).

Submission:

Labcorp Genetics (formerly Invitae), Labcorp
Classification: Pathogenic. Last evaluated: 2024-09-27. Review status: criteria provided, single submitter. Criteria: Invitae Variant Classification Sherloc (09022015). Collection method: clinical testing. Allele origin: germline.
Comment: This sequence change creates a premature translational stop signal (p.Lys914Asnfs*17) in the ITGA6 gene. It is expected to result in an absent or disrupted protein product. Loss-of-function variants in ITGA6 are known to be pathogenic (PMID: 9158140, 9185503, 9804362, 27607025). This variant is not present in population databases (gnomAD no frequency). This variant has not been reported in the literature in individuals affected with ITGA6-related conditions. For these reasons, this variant has been classified as Pathogenic.

Literature cited by the submitters: PubMed 9158140; PubMed 9185503; PubMed 9804362; PubMed 27607025.

NM_000210.4(ITGA6):c.2742del (p.Lys914fs)

Genes: ITGA6 (integrin subunit alpha 6; plus strand), PDK1-AS1 (PDK1 and ITGA6 antisense RNA 1; minus strand). Cytogenetic location: 2q31.1.
Variant type: Deletion.
Coding change: c.2742del on transcript NM_000210.4 (MANE Select); coding-DNA position 2742, one base deleted (A; older notation c.2742delA).
Protein change: p.Lys914fs; shifts the reading frame from lysine 914.
Molecular consequence: frameshift variant.
Genome position (GRCh38, 1-based): chr2:172,491,086, A deleted; the last of 4 consecutive A bases (chr2:172,491,083-172,491,086); deleting any one gives the same sequence. VCF-style (leftmost placement, unchanged base first): chr2-172491082-GA-G. GRCh37 (hg19) VCF-style: chr2-173355810-GA-G.
Other names: c.2385del, p.Lys795fs (NM_001316306.2); c.2697del, p.Lys899fs (NM_001365529.2, NM_001365530.2); c.2859del, p.Lys953fs (NM_001394928.1); c.2742del, p.Lys914fs (NM_001079818.3); short protein forms K795fs, K899fs, K914fs, K953fs.
Identifiers: ClinVar variation 3721645 (VCV003721645.2).